The following is an entry in ClinVar:

ClinVar aggregate classification (germline): Uncertain significance (1 of 4 stars; one submission).

Conditions:
POLD1-related polyposis and colorectal cancer syndrome (CRCS10). Also called: COLORECTAL CANCER, SUSCEPTIBILITY TO, ON CHROMOSOME 19q; Colorectal cancer 10; Colorectal cancer, susceptibility to, 10. Identifiers: Orphanet 220460, MedGen C2675481, MONDO:0012953, OMIM 612591.

Submission:

Labcorp Genetics (formerly Invitae), Labcorp
Classification: Uncertain significance for POLD1-related polyposis and colorectal cancer syndrome. Last evaluated: 2023-06-20. Review status: criteria provided, single submitter. Criteria: Invitae Variant Classification Sherloc (09022015). Collection method: clinical testing. Allele origin: germline.
Comment: In summary, the available evidence is currently insufficient to determine the role of this variant in disease. Therefore, it has been classified as a Variant of Uncertain Significance. This variant has not been reported in the literature in individuals affected with POLD1-related conditions. This variant results in the deletion of exon 17 and part of exon 16 (c.1902_2155-1611del) of the POLD1 gene. Missense variants that disrupt the 3'-5' exonuclease (proof-reading) activity of the POLD1 protein are associated with PPAP (polymerase proofreading‚Äìassociated polyposis) (PMID: 23263490, 23447401). However, loss-of-function variants that result in an absent or severely disrupted POLD1 protein, and missense variants outside the exonuclease domain, are unlikely to be associated with PPAP.

Literature cited by the submitters: PubMed 23263490; PubMed 23447401.

NC_000019.9:g.(?_50912388)_(50915072_?)del

Gene: POLD1 (DNA polymerase delta 1, catalytic subunit; plus strand). Cytogenetic location: 19q13.33.
Variant type: Deletion.
Identifiers: ClinVar variation 2424517 (VCV002424517.3).